The following is an entry in ClinVar:

NM_024334.3(TMEM43):c.1178G>A (p.Arg393Gln)

Gene: TMEM43 (transmembrane protein 43; plus strand). Cytogenetic location: 3p25.1.
Variant type: single nucleotide variant.
Coding change: c.1178G>A on transcript NM_024334.3 (MANE Select); coding-DNA position 1178, G replaced by A.
Protein change: p.Arg393Gln; replaces arginine 393 with glutamine.
Molecular consequence: missense variant.
Genome position (GRCh38, 1-based): chr3:14,141,770, G>A. VCF-style: chr3-14141770-G-A. GRCh37 (hg19) VCF-style: chr3-14183270-G-A.
Other names: c.1178G>A (NM_024334.2); short protein forms R393Q.
Identifiers: ClinVar variation 1377783 (VCV001377783.7), dbSNP rs758037497, ClinGen allele CA051397.
Genomic context (GRCh38, chr3:14,141,770, plus strand): 5'-CCCTGTGGGCCCTCCTCATTGCCGGCCTGGCCCTTGTGCCCATCCTTGTTGCTCGGACAC[G>A]GGTGCCAGCCAAAAAGTTGGAGTGAAAAGACCCTGGCACCCGCCCGACACCTGCGTGAGC-3'
Protein context (NP_077310.1, residues 383-400): ALVPILVART[Arg393Gln]VPAKKLE

ClinVar aggregate classification (germline): Uncertain significance. Review status: criteria provided, multiple submitters, no conflicts (2 of 4 stars). 4 submissions from 4 submitters: Uncertain significance (4). Last evaluated 2026-04-16.

Conditions:
Cardiomyopathy (CMYO). Also called: Cardiomyopathies. Identifiers: Orphanet 167848, MedGen C0878544, MONDO:0004994, HP:0001638. Inheritance: Various modes of inheritance.
Arrhythmogenic right ventricular dysplasia 5. Also called: Arrhythmogenic Right Ventricular Dysplasia/Cardiomyopathy 5; ARRHYTHMOGENIC RIGHT VENTRICULAR DYSPLASIA, FAMILIAL, 5. Identifiers: MedGen C1858379, MONDO:0011459, OMIM 604400.

Allele frequency attached by ClinVar (database versions not stated): TOPMed 0.00001; gnomAD 0.00001; gnomAD exomes 0.00001; ExAC 0.00002.

Submissions (4):

GeneDx
Classification: Uncertain significance. Last evaluated: 2026-04-16. Review status: criteria provided, single submitter. Criteria: GeneDx Variant Classification Process June 2021. Collection method: clinical testing. Allele origin: germline.
Comment: Identified in individual(s) with non-compaction cardiomyopathy (NCCM) in published literature (PMID: 30847666, 29447731); In silico analysis suggests that this missense variant does not alter protein structure/function; Not observed at significant frequency in large population cohorts (gnomAD); This variant is associated with the following publications: (PMID: Cuesta-Llavona2022[article], Cuesta-Llavona_2022_Cardiogenetics, 33500567, 29447731, 30847666)

Labcorp Genetics (formerly Invitae), Labcorp
Classification: Uncertain significance for Arrhythmogenic right ventricular dysplasia 5. Last evaluated: 2025-10-01. Review status: criteria provided, single submitter. Criteria: Invitae Variant Classification Sherloc (09022015). Collection method: clinical testing. Allele origin: germline.
Comment: This sequence change replaces arginine, which is basic and polar, with glutamine, which is neutral and polar, at codon 393 of the TMEM43 protein (p.Arg393Gln). This variant is present in population databases (rs758037497, gnomAD 0.006%). This missense change has been observed in individual(s) with noncompaction cardiomyopathy (PMID: 30847666). ClinVar contains an entry for this variant (Variation ID: 1377783). An algorithm developed to predict the effect of missense changes on protein structure and function (PolyPhen-2) suggests that this variant is likely to be tolerated. Algorithms developed to predict the effect of sequence changes on RNA splicing suggest that this variant may create or strengthen a splice site. In summary, the available evidence is currently insufficient to determine the role of this variant in disease. Therefore, it has been classified as a Variant of Uncertain Significance.

Color Diagnostics, LLC DBA Color Health
Classification: Uncertain significance for Cardiomyopathy. Last evaluated: 2025-07-25. Review status: criteria provided, single submitter. Criteria: ACMG Guidelines, 2015. Collection method: clinical testing. Allele origin: germline.
Comment: This missense variant replaces arginine with glutamine at codon 393 of the TMEM43 protein. Computational prediction suggests that this variant may not impact protein structure and function. To our knowledge, functional studies have not been reported for this variant. This variant has been reported in an individual affected with noncompaction cardiomyopathy (PMID: 29447731, 30847666, 33500567). This variant has been identified in 2/251028 chromosomes in the general population by the Genome Aggregation Database (gnomAD). The available evidence is insufficient to determine the role of this variant in disease conclusively. Therefore, this variant is classified as a Variant of Uncertain Significance.

Revvity Omics, Revvity
Classification: Uncertain significance. Last evaluated: 2023-08-31. Review status: criteria provided, single submitter. Criteria: ACMG Guidelines, 2015. Collection method: clinical testing. Allele origin: germline.

Literature cited by the submitters: PubMed 30847666 (cited by Labcorp Genetics (formerly Invitae), Labcorp and Color Diagnostics, LLC DBA Color Health); PubMed 29447731 (cited by Color Diagnostics, LLC DBA Color Health); PubMed 33500567 (cited by Color Diagnostics, LLC DBA Color Health).